The following is an entry in ClinVar:

NM_000426.4(LAMA2):c.611C>T (p.Ser204Phe)

Gene: LAMA2 (laminin subunit alpha 2; plus strand). Cytogenetic location: 6q22.33.
Variant type: single nucleotide variant.
Coding change: c.611C>T on transcript NM_000426.4 (MANE Select); coding-DNA position 611, C replaced by T.
Protein change: p.Ser204Phe; replaces serine 204 with phenylalanine.
Molecular consequence: missense variant.
Genome position (GRCh38, 1-based): chr6:129,098,387, C>T. VCF-style: chr6-129098387-C-T. GRCh37 (hg19) VCF-style: chr6-129419532-C-T.
Other names: c.611C>T, p.Ser204Phe (NM_001079823.2); short protein forms S204F.
Identifiers: ClinVar variation 2136459 (VCV002136459.4), dbSNP rs1204310516, ClinGen allele CA365829496.

ClinVar aggregate classification (germline): Uncertain significance (1 of 4 stars; one submission).

Conditions:
LAMA2-related muscular dystrophy (LAMA2-RD). Also called: Laminin alpha 2-related dystrophy. Identifiers: MedGen C5679788, MONDO:0100228.

Allele frequency attached by ClinVar (database versions not stated): gnomAD exomes below 0.00001.
gnomAD v4.1: 1 of 1,613,978 alleles (0.000062%); highest among the groups gnomAD compares: Non-Finnish European, 0.000085%; no homozygotes.

Submission:

Labcorp Genetics (formerly Invitae), Labcorp
Classification: Uncertain significance for LAMA2-related muscular dystrophy. Last evaluated: 2022-11-22. Review status: criteria provided, single submitter. Criteria: Invitae Variant Classification Sherloc (09022015). Collection method: clinical testing. Allele origin: germline.
Comment: This variant is not present in population databases (gnomAD no frequency). This sequence change replaces serine, which is neutral and polar, with phenylalanine, which is neutral and non-polar, at codon 204 of the LAMA2 protein (p.Ser204Phe). This missense change has been observed in individual(s) with limb-girdle muscular dystrophy (PMID: 27932089). In summary, the available evidence is currently insufficient to determine the role of this variant in disease. Therefore, it has been classified as a Variant of Uncertain Significance. Advanced modeling of protein sequence and biophysical properties (such as structural, functional, and spatial information, amino acid conservation, physicochemical variation, residue mobility, and thermodynamic stability) has been performed at Invitae for this missense variant, however the output from this modeling did not meet the statistical confidence thresholds required to predict the impact of this variant on LAMA2 protein function.

Literature cited by the submitters: PubMed 27932089.